The following is an entry in ClinVar:

NM_182916.3(TRNT1):c.556C>T (p.His186Tyr)

Gene: TRNT1 (tRNA nucleotidyl transferase 1; plus strand). Cytogenetic location: 3p26.2.
Variant type: single nucleotide variant.
Coding change: c.556C>T on transcript NM_182916.3 (MANE Select); coding-DNA position 556, C replaced by T.
Protein change: p.His186Tyr; replaces histidine 186 with tyrosine.
Molecular consequence: missense variant. On other transcripts: non-coding transcript variant (8).
Genome position (GRCh38, 1-based): chr3:3,144,658, C>T. VCF-style: chr3-3144658-C-T. GRCh37 (hg19) VCF-style: chr3-3186342-C-T.
Other names: c.556C>T, p.His186Tyr (NM_001302946.2, NM_001367321.1, NM_001367322.1 and 1 more transcripts); short protein forms H186Y.
Identifiers: ClinVar variation 2093322 (VCV002093322.1), dbSNP rs1705871883, ClinGen allele CA351445209.

ClinVar aggregate classification (germline): Uncertain significance (1 of 4 stars; one submission).

Conditions:
Congenital sideroblastic anemia-B-cell immunodeficiency-periodic fever-developmental delay syndrome. Also called: Sideroblastic anemia with B-cell immunodeficiency, periodic fevers, and developmental delay. Identifiers: Orphanet 369861, MedGen C4015172, MONDO:0014487, OMIM 616084.

Allele frequency attached by ClinVar (database versions not stated): gnomAD exomes below 0.00001; gnomAD 0.00001.
gnomAD v4.1: 2 of 1,578,094 alleles (0.00013%); highest among the groups gnomAD compares: Admixed American, 0.0017%; no homozygotes.

Submission:

Labcorp Genetics (formerly Invitae), Labcorp
Classification: Uncertain significance for Congenital sideroblastic anemia-B-cell immunodeficiency-periodic fever-developmental delay syndrome. Last evaluated: 2022-02-04. Review status: criteria provided, single submitter. Criteria: Invitae Variant Classification Sherloc (09022015). Collection method: clinical testing. Allele origin: germline.
Comment: This sequence change replaces histidine, which is basic and polar, with tyrosine, which is neutral and polar, at codon 186 of the TRNT1 protein (p.His186Tyr). This variant is not present in population databases (gnomAD no frequency). This variant has not been reported in the literature in individuals affected with TRNT1-related conditions. Algorithms developed to predict the effect of missense changes on protein structure and function are either unavailable or do not agree on the potential impact of this missense change (SIFT: "Deleterious"; PolyPhen-2: "Benign"; Align-GVGD: "Class C0"). In summary, the available evidence is currently insufficient to determine the role of this variant in disease. Therefore, it has been classified as a Variant of Uncertain Significance.